The following is an entry in ClinVar:

NM_004727.3(SLC24A1):c.1664G>A (p.Trp555Ter)

Gene: SLC24A1 (solute carrier family 24 member 1; plus strand). Cytogenetic location: 15q22.31.
Variant type: single nucleotide variant.
Coding change: c.1664G>A on transcript NM_004727.3 (MANE Select); coding-DNA position 1664, G replaced by A.
Protein change: p.Trp555Ter; replaces tryptophan 555 with a stop codon.
Molecular consequence: nonsense.
Genome position (GRCh38, 1-based): chr15:65,625,744, G>A. VCF-style: chr15-65625744-G-A. GRCh37 (hg19) VCF-style: chr15-65918082-G-A.
Other names: c.1664G>A, p.Trp555Ter (NM_001301031.1, NM_001301032.1, NM_001301033.2); short protein forms W555*.
Identifiers: ClinVar variation 1444567 (VCV001444567.6), dbSNP rs2141472769, ClinGen allele CA392918229.

ClinVar aggregate classification (germline): Pathogenic (1 of 4 stars; one submission).

Submission:

Labcorp Genetics (formerly Invitae), Labcorp
Classification: Pathogenic. Last evaluated: 2022-05-06. Review status: criteria provided, single submitter. Criteria: Invitae Variant Classification Sherloc (09022015). Collection method: clinical testing. Allele origin: germline.
Comment: For these reasons, this variant has been classified as Pathogenic. Algorithms developed to predict the effect of sequence changes on RNA splicing suggest that this variant may create or strengthen a splice site. This variant has not been reported in the literature in individuals affected with SLC24A1-related conditions. This variant is not present in population databases (gnomAD no frequency). This sequence change creates a premature translational stop signal (p.Trp555*) in the SLC24A1 gene. It is expected to result in an absent or disrupted protein product. Loss-of-function variants in SLC24A1 are known to be pathogenic (PMID: 20850105, 26822852).

Literature cited by the submitters: PubMed 20850105; PubMed 26822852.